The following is an entry in ClinVar:

ClinVar aggregate classification (germline): Uncertain significance (1 of 4 stars; one submission).

Submission:

GeneDx
Classification: Uncertain significance. Last evaluated: 2022-05-16. Review status: criteria provided, single submitter. Criteria: GeneDx Variant Classification Process June 2021. Collection method: clinical testing. Allele origin: germline. Affected: yes.
Comment: Not observed at significant frequency in large population cohorts (gnomAD); In silico analysis supports that this missense variant has a deleterious effect on protein structure/function; Has not been previously published as pathogenic or benign to our knowledge; This variant is associated with the following publications: (PMID: 27535533)

NM_006521.6(TFE3):c.1699A>C (p.Ser567Arg)

Gene: TFE3 (transcription factor binding to IGHM enhancer 3; minus strand). Cytogenetic location: Xp11.23.
Variant type: single nucleotide variant.
Coding change: c.1699A>C on transcript NM_006521.6 (MANE Select); coding-DNA position 1699, A replaced by C.
Protein change: p.Ser567Arg; replaces serine 567 with arginine.
Molecular consequence: missense variant.
Genome position (GRCh38, 1-based): chrX:49,030,187, T>G on the plus strand (A>C on the coding strand, the complement: TFE3 is on the minus strand). VCF-style: chrX-49030187-T-G. GRCh37 (hg19) VCF-style: chrX-48887698-T-G.
Other names: c.1384A>C, p.Ser462Arg (NM_001282142.2); short protein forms S462R, S567R.
Identifiers: ClinVar variation 1327225 (VCV001327225.3), dbSNP rs2147767358, ClinGen allele CA412900924.
Genomic context (GRCh38, chrX:49,030,187, plus strand): 5'-GGGAAAGTCCCAGGGGAGGGGTGAGGCCTGATCAGGACTCCTCTTCCATGCTGAAGCTGC[T>G]GCGGCGGCTGCTGGCCTTGGAGACAGCAGGGGACACTGAAGAGAGCAGGGGATCGGAGGC-3'
Protein context (NP_006512.2, residues 557-575): PAVSKASSRR[Ser567Arg]SFSMEEES